The following is an entry in ClinVar:

ClinVar aggregate classification (germline): Uncertain significance (1 of 4 stars; one submission).

gnomAD v4.1: 5 of 1,611,924 alleles (0.00031%); highest among the groups gnomAD compares: East Asian, 0.011%; no homozygotes.

Submission:

Labcorp Genetics (formerly Invitae), Labcorp
Classification: Uncertain significance. Last evaluated: 2021-12-24. Review status: criteria provided, single submitter. Criteria: Invitae Variant Classification Sherloc (09022015). Collection method: clinical testing. Allele origin: germline.
Comment: Algorithms developed to predict the effect of missense changes on protein structure and function are either unavailable or do not agree on the potential impact of this missense change (SIFT: "Tolerated"; PolyPhen-2: "Possibly Damaging"; Align-GVGD: "Class C0"). This sequence change replaces alanine, which is neutral and non-polar, with serine, which is neutral and polar, at codon 1147 of the LRRK1 protein (p.Ala1147Ser). This variant also falls at the last nucleotide of exon 23, which is part of the consensus splice site for this exon. This variant is present in population databases (rs376554922, gnomAD 0.04%). This variant has not been reported in the literature in individuals affected with LRRK1-related conditions. Variants that disrupt the consensus splice site are a relatively common cause of aberrant splicing (PMID: 17576681, 9536098). Algorithms developed to predict the effect of sequence changes on RNA splicing suggest that this variant may disrupt the consensus splice site. In summary, the available evidence is currently insufficient to determine the role of this variant in disease. Therefore, it has been classified as a Variant of Uncertain Significance.

Literature cited by the submitters: PubMed 17576681; PubMed 9536098.

NM_024652.6(LRRK1):c.3439G>T (p.Ala1147Ser)

Genes: LRRK1 (leucine rich repeat kinase 1; plus strand), LRRK1-AS1 (LRRK1 antisense RNA 1; minus strand). Cytogenetic location: 15q26.3.
Variant type: single nucleotide variant.
Coding change: c.3439G>T on transcript NM_024652.6 (MANE Select); coding-DNA position 3439, G replaced by T.
Protein change: p.Ala1147Ser; replaces alanine 1147 with serine.
Molecular consequence: missense variant.
Genome position (GRCh38, 1-based): chr15:101,049,783, G>T. VCF-style: chr15-101049783-G-T. GRCh37 (hg19) VCF-style: chr15-101589988-G-T.
Other names: short protein forms A1147S.
Identifiers: ClinVar variation 1900539 (VCV001900539.5), dbSNP rs376554922, ClinGen allele CA7761515.